The following is an entry in ClinVar:

ClinVar aggregate classification (germline): Pathogenic (1 of 4 stars; one submission).

Conditions:
Microcephalic osteodysplastic primordial dwarfism type II (MOPD2). Also called: Microcephalic osteodysplastic primordial dwarfism with tooth abnormalities; MOPD II; OSTEODYSPLASTIC PRIMORDIAL DWARFISM, TYPE II. Identifiers: Orphanet 2637, MedGen C0432246, MONDO:0008872, OMIM 210720.

Submission:

Women's Health and Genetics/Laboratory Corporation of America, LabCorp
Classification: Pathogenic for Microcephalic osteodysplastic primordial dwarfism type II. Last evaluated: 2025-11-06. Review status: criteria provided, single submitter. Criteria: LabCorp Variant Classification Summary - May 2015. Collection method: clinical testing. Allele origin: germline.
Comment: Variant summary: PCNT c.9685A>T (p.Lys3229X) results in a premature termination codon, predicted to cause a truncation of the encoded protein or absence of the protein due to nonsense mediated decay, which are commonly known mechanisms for disease. The variant was absent in 251426 control chromosomes. To our knowledge, no occurrence of c.9685A>T in individuals affected with PCNT-related conditions and no experimental evidence demonstrating its impact on protein function have been reported. No submitters have cited clinical-significance assessments for this variant to ClinVar. Based on the evidence outlined above, the variant was classified as pathogenic.

NM_006031.6(PCNT):c.9685A>T (p.Lys3229Ter)

Gene: PCNT (pericentrin; plus strand). Cytogenetic location: 21q22.3.
Variant type: single nucleotide variant.
Coding change: c.9685A>T on transcript NM_006031.6 (MANE Select); coding-DNA position 9685, A replaced by T.
Protein change: p.Lys3229Ter; replaces lysine 3229 with a stop codon.
Molecular consequence: nonsense.
Genome position (GRCh38, 1-based): chr21:46,442,558, A>T. VCF-style: chr21-46442558-A-T. GRCh37 (hg19) VCF-style: chr21-47862471-A-T.
Other names: c.9094A>T, p.Lys3032Ter (NM_001315529.2); short protein forms K3032*, K3229*.
Identifiers: ClinVar variation 4536994 (VCV004536994.1).